The following is an entry in ClinVar:

ClinVar aggregate classification (germline): Uncertain significance (1 of 4 stars; one submission).

Allele frequency attached by ClinVar (database versions not stated): gnomAD exomes below 0.00001; TOPMed 0.00001; ESP Exome Variant Server 0.00008.
gnomAD v4.1: 10 of 1,613,784 alleles (0.00062%); highest among the groups gnomAD compares: African/African-American, 0.0053%; no homozygotes.

Submission:

Labcorp Genetics (formerly Invitae), Labcorp
Classification: Uncertain significance. Last evaluated: 2022-08-15. Review status: criteria provided, single submitter. Criteria: Invitae Variant Classification Sherloc (09022015). Collection method: clinical testing. Allele origin: germline.
Comment: This sequence change replaces proline, which is neutral and non-polar, with serine, which is neutral and polar, at codon 2173 of the VPS13A protein (p.Pro2173Ser). This variant is not present in population databases (gnomAD no frequency). This variant has not been reported in the literature in individuals affected with VPS13A-related conditions. Algorithms developed to predict the effect of missense changes on protein structure and function output the following: SIFT: "Tolerated"; PolyPhen-2: "Benign"; Align-GVGD: "Class C0". The serine amino acid residue is found in multiple mammalian species, which suggests that this missense change does not adversely affect protein function. In summary, the available evidence is currently insufficient to determine the role of this variant in disease. Therefore, it has been classified as a Variant of Uncertain Significance.

NM_033305.3(VPS13A):c.6517C>T (p.Pro2173Ser)

Gene: VPS13A (vacuolar protein sorting 13 homolog A; plus strand). Cytogenetic location: 9q21.2.
Variant type: single nucleotide variant.
Coding change: c.6517C>T on transcript NM_033305.3 (MANE Select); coding-DNA position 6517, C replaced by T.
Protein change: p.Pro2173Ser; replaces proline 2173 with serine.
Molecular consequence: missense variant.
Genome position (GRCh38, 1-based): chr9:77,339,654, C>T. VCF-style: chr9-77339654-C-T. GRCh37 (hg19) VCF-style: chr9-79954570-C-T.
Other names: c.6400C>T, p.Pro2134Ser (NM_001018037.2); c.6517C>T, p.Pro2173Ser (NM_001018038.3, NM_015186.4); short protein forms P2134S, P2173S.
Identifiers: ClinVar variation 2420580 (VCV002420580.3), dbSNP rs143019235, ClinGen allele CA194385213.